The following is an entry in ClinVar:

ClinVar aggregate classification (germline): Uncertain significance. Review status: criteria provided, multiple submitters, no conflicts (2 of 4 stars). 4 submissions from 4 submitters: Uncertain significance (3). 1 of the submissions does not count toward it. Last evaluated 2022-08-21.

Conditions:
Mucopolysaccharidosis, MPS-III-A (MPS3A). Also called: MUCOPOLYSACCHARIDOSIS, TYPE IIIA, ATTENUATED; Mucopolysaccharidosis type IIIA (Sanfilippo A); mucopolysaccharidosis type 3A; MPS IIIA (Sanfilippo Syndrome Type A); MPS III A; HEPARAN SULFATE SULFATASE DEFICIENCY. Identifiers: Orphanet 581, Orphanet 79269, MedGen C0086647, MONDO:0009655, OMIM 252900.

Allele frequency attached by ClinVar (database versions not stated): gnomAD 0.00003 and 0.00004; TOPMed 0.00002; ExAC 0.00005; gnomAD exomes 0.00002.
gnomAD v4.1: 20 of 1,600,992 alleles (0.0012%); highest among the groups gnomAD compares: African/African-American, 0.011%; no homozygotes.

Submissions (4):

Labcorp Genetics (formerly Invitae), Labcorp
Classification: Uncertain significance for Mucopolysaccharidosis, MPS-III-A. Last evaluated: 2022-08-21. Review status: criteria provided, single submitter. Criteria: Invitae Variant Classification Sherloc (09022015). Collection method: clinical testing. Allele origin: germline.
Comment: This sequence change replaces arginine, which is basic and polar, with cysteine, which is neutral and slightly polar, at codon 56 of the SGSH protein (p.Arg56Cys). This variant is present in population databases (rs761780038, gnomAD 0.005%). This variant has not been reported in the literature in individuals affected with SGSH-related conditions. ClinVar contains an entry for this variant (Variation ID: 325845). Algorithms developed to predict the effect of missense changes on protein structure and function are either unavailable or do not agree on the potential impact of this missense change (SIFT: "Deleterious"; PolyPhen-2: "Probably Damaging"; Align-GVGD: "Class C0"). In summary, the available evidence is currently insufficient to determine the role of this variant in disease. Therefore, it has been classified as a Variant of Uncertain Significance.

Genome-Nilou Lab
Classification: Uncertain significance for Mucopolysaccharidosis, MPS-III-A. Last evaluated: 2021-11-07. Review status: criteria provided, single submitter. Criteria: ACMG Guidelines, 2015. Collection method: clinical testing. Allele origin: germline. Affected: no.

Illumina Laboratory Services, Illumina
Classification: Uncertain significance for Mucopolysaccharidosis, MPS-III-A. Last evaluated: 2018-01-13. Review status: criteria provided, single submitter. Criteria: ICSL Variant Classification Criteria 13 December 2019. Collection method: clinical testing. Allele origin: germline.

Natera, Inc.
Classification: Uncertain significance for Mucopolysaccharidosis type IIIA. Last evaluated: 2020-10-27. Review status: no assertion criteria provided. Collection method: clinical testing. Allele origin: germline. Not counted in ClinVar's aggregate classification.

NM_000199.5(SGSH):c.166C>T (p.Arg56Cys)

Gene: SGSH (N-sulfoglucosamine sulfohydrolase; minus strand). Cytogenetic location: 17q25.3.
Variant type: single nucleotide variant.
Coding change: c.166C>T on transcript NM_000199.5 (MANE Select); coding-DNA position 166, C replaced by T.
Protein change: p.Arg56Cys; replaces arginine 56 with cysteine.
Molecular consequence: missense variant. On other transcripts: non-coding transcript variant (1).
Genome position (GRCh38, 1-based): chr17:80,217,115, G>A on the plus strand (C>T on the coding strand, the complement: SGSH is on the minus strand). VCF-style: chr17-80217115-G-A. GRCh37 (hg19) VCF-style: chr17-78190914-G-A.
Other names: c.166C>T, p.Arg56Cys (NM_001352921.3, NM_001352922.2); short protein forms R56C.
Identifiers: ClinVar variation 325845 (VCV000325845.13), dbSNP rs761780038, ClinGen allele CA8818150.